The following is an entry in ClinVar:

NM_172107.4(KCNQ2):c.1443del (p.Lys482fs)

Gene: KCNQ2 (potassium voltage-gated channel subfamily Q member 2; minus strand). Cytogenetic location: 20q13.33.
Variant type: Deletion.
Coding change: c.1443del on transcript NM_172107.4 (MANE Select); coding-DNA position 1443, one base deleted (C; older notation c.1443delC).
Protein change: p.Lys482fs; shifts the reading frame from lysine 482.
Molecular consequence: frameshift variant.
Genome position (GRCh38, 1-based): chr20:63,414,985, G deleted on the plus strand (C on the coding strand, the reverse complement: KCNQ2 is on the minus strand); the first of 3 consecutive G bases (chr20:63,414,985-63,414,987); deleting any one gives the same sequence. VCF-style (leftmost placement, unchanged base first): chr20-63414984-TG-T. GRCh37 (hg19) VCF-style: chr20-62046337-TG-T.
Other names: c.1389del, p.Lys464fs (NM_001382235.1, NM_172106.3); c.1359del, p.Lys454fs (NM_004518.6); c.1353del, p.Lys452fs (NM_172108.5); short protein forms K452fs, K454fs, K464fs, K482fs.
Identifiers: ClinVar variation 4071008 (VCV004071008.1).

ClinVar aggregate classification (germline): Pathogenic (1 of 4 stars; one submission).

Conditions:
Developmental and epileptic encephalopathy, 7 (DEE7). Also called: Early infantile epileptic encephalopathy 7; KCNQ2-Related Neonatal Epileptic Encephalopathy; KCNQ2-Related Neonatal-Onset Developmental and Epileptic Encephalopathy (NEO-DEE). Identifiers: Orphanet 439218, MedGen C3150986, MONDO:0013387, OMIM 613720.

Submission:

Population and Medical Genomics Lab, Sidra Medicine
Classification: Pathogenic for Developmental and epileptic encephalopathy, 7. Last evaluated: 2025-07-07. Review status: criteria provided, single submitter. Criteria: ACMG Guidelines, 2015. Collection method: research. Allele origin: de novo. Inheritance: Autosomal dominant inheritance. Affected: yes. Observed: 1 heterozygote.
Comment: The KCNQ2 variant c.1443del p.(Lys482Argfs*47) is novel and has not been reported in the literature. It creates a frameshift starting at codon 482 in exon 13. It is rare in population databases (gnomAD 6.204e-7, and absent in Middle Eastern population) (PM2). In addition, this is a null variant in a gene where LoF is a known mechanism of disease (PVS1). In summary, the Lys482Argfs*47 meets our criteria to be classified as pathogenic using the ACMG guidelines.